The following is an entry in ClinVar:

ClinVar aggregate classification (germline): Benign. Review status: criteria provided, multiple submitters, no conflicts (2 of 4 stars). 4 submissions from 4 submitters: Benign (4). Last evaluated 2025-01-02.

Allele frequency attached by ClinVar (database versions not stated): ESP Exome Variant Server 0.07043; gnomAD exomes 0.11205; gnomAD 0.17456 and 0.17592; TOPMed 0.18583; ExAC 0.15265.
gnomAD v4.1: 143,952 of 1,200,260 alleles (12%); highest among the groups gnomAD compares: African/African-American, 29%; 5,382 homozygotes.

Submissions (4):

Mayo Clinic Laboratories, Mayo Clinic
Classification: Benign. Last evaluated: 2025-01-02. Review status: criteria provided, single submitter. Criteria: ACMG Guidelines, 2015. Collection method: clinical testing. Allele origin: germline. Observed: 32 variant alleles.
Comment: BA1, BS2, BP4, BP7

GeneDx
Classification: Benign. Last evaluated: 2015-03-03. Review status: criteria provided, single submitter. Criteria: GeneDx Variant Classification Process June 2021. Collection method: clinical testing. Allele origin: germline. Affected: yes.

Breakthrough Genomics
Classification: Benign. Review status: criteria provided, single submitter. Criteria: ACMG Guidelines, 2015. Collection method: not provided. Allele origin: germline. Inheritance: Autosomal recessive inheritance. Affected: yes.

PreventionGenetics, part of Exact Sciences
Classification: Benign. Review status: criteria provided, single submitter. Criteria: ACMG Guidelines, 2015. Collection method: clinical testing. Allele origin: germline.

NM_000521.4(HEXB):c.1082+26T>A

Gene: HEXB (hexosaminidase subunit beta; plus strand). Cytogenetic location: 5q13.3.
Variant type: single nucleotide variant.
Coding change: c.1082+26T>A on transcript NM_000521.4 (MANE Select); 26 bases into the intron after coding-DNA position 1082, T replaced by A.
Molecular consequence: intron variant.
Genome position (GRCh38, 1-based): chr5:74,715,716, T>A. VCF-style: chr5-74715716-T-A. GRCh37 (hg19) VCF-style: chr5-74011541-T-A.
Other names: p.?; c.407+26T>A (NM_001292004.2).
Identifiers: ClinVar variation 256354 (VCV000256354.6), dbSNP rs72764638, ClinGen allele CA3306021.